The following is an entry in ClinVar:

ClinVar aggregate classification (germline): Uncertain significance. Review status: criteria provided, multiple submitters, no conflicts (2 of 4 stars). 2 submissions from 2 submitters: Uncertain significance (2). Last evaluated 2023-07-05.

Conditions:
Inborn genetic diseases. Identifiers: MedGen C0950123, MeSH D030342.

Allele frequency attached by ClinVar (database versions not stated): gnomAD exomes below 0.00001; ExAC 0.00004; gnomAD 0.00005; TOPMed 0.00006; ESP Exome Variant Server 0.00008.
gnomAD v4.1: 10 of 1,613,752 alleles (0.00062%); highest among the groups gnomAD compares: African/African-American, 0.012%; no homozygotes.

Submissions (2):

Ambry Genetics
Classification: Uncertain significance for Inborn genetic diseases. Last evaluated: 2023-07-05. Review status: criteria provided, single submitter. Criteria: Ambry Variant Classification Scheme 2023. Collection method: clinical testing. Allele origin: germline.

Labcorp Genetics (formerly Invitae), Labcorp
Classification: Uncertain significance. Last evaluated: 2022-09-09. Review status: criteria provided, single submitter. Criteria: Invitae Variant Classification Sherloc (09022015). Collection method: clinical testing. Allele origin: germline.
Comment: This sequence change replaces glutamic acid, which is acidic and polar, with lysine, which is basic and polar, at codon 301 of the PDE2A protein (p.Glu301Lys). This variant is present in population databases (rs372085636, gnomAD 0.03%). This variant has not been reported in the literature in individuals affected with PDE2A-related conditions. Algorithms developed to predict the effect of missense changes on protein structure and function output the following: SIFT: "Tolerated"; PolyPhen-2: "Benign"; Align-GVGD: "Class C0". The lysine amino acid residue is found in multiple mammalian species, which suggests that this missense change does not adversely affect protein function. In summary, the available evidence is currently insufficient to determine the role of this variant in disease. Therefore, it has been classified as a Variant of Uncertain Significance.

NM_002599.5(PDE2A):c.901G>A (p.Glu301Lys)

Gene: PDE2A (phosphodiesterase 2A; minus strand). Cytogenetic location: 11q13.4.
Variant type: single nucleotide variant.
Coding change: c.901G>A on transcript NM_002599.5 (MANE Select); coding-DNA position 901, G replaced by A.
Protein change: p.Glu301Lys; replaces glutamic acid 301 with lysine.
Molecular consequence: missense variant.
Genome position (GRCh38, 1-based): chr11:72,589,213, C>T on the plus strand (G>A on the coding strand, the complement: PDE2A is on the minus strand). VCF-style: chr11-72589213-C-T. GRCh37 (hg19) VCF-style: chr11-72300257-C-T.
Other names: c.901G>A (NM_002599.4); c.880G>A, p.Glu294Lys (NM_001143839.4); c.874G>A, p.Glu292Lys (NM_001146209.3); c.838G>A, p.Glu280Lys (NM_001243784.2); short protein forms E292K, E301K, E280K, E294K.
Identifiers: ClinVar variation 1981990 (VCV001981990.6), dbSNP rs372085636, ClinGen allele CA6172380.
Genomic context (GRCh38, chr11:72,589,213, plus strand): 5'-GGTCAGCCAGGCCATGACTTACGGAGGTGAGGTCCTTCAGCTGGATGGACTTCTTGTCTT[C>T]CACCACCTGGCCCAGGCATCCTGTCAACTAGGGGGTGAGGAGAGACTGAGTCAGGGCCCA-3'
Protein context (NP_002590.1, residues 291-311): PLTGCLGQVV[Glu301Lys]DKKSIQLKDL